The following is an entry in ClinVar:

ClinVar aggregate classification (germline): Uncertain significance. Review status: criteria provided, multiple submitters, no conflicts (2 of 4 stars). 2 submissions from 2 submitters: Uncertain significance (2). Last evaluated 2022-05-16.

gnomAD v4.1: 2 of 1,603,152 alleles (0.00012%); highest among the groups gnomAD compares: Non-Finnish European, 0.000085%; no homozygotes.

Submissions (2):

Blueprint Genetics
Classification: Uncertain significance. Last evaluated: 2022-05-16. Review status: criteria provided, single submitter. Criteria: ACMG Guidelines, 2015. Collection method: clinical testing. Allele origin: germline.

GeneDx
Classification: Uncertain significance. Last evaluated: 2021-06-04. Review status: criteria provided, single submitter. Criteria: GeneDx Variant Classification Process June 2021. Collection method: clinical testing. Allele origin: germline. Affected: yes.
Comment: Not observed at significant frequency in large population cohorts (Lek et al., 2016); In silico analysis supports that this missense variant does not alter protein structure/function; Has not been previously published as pathogenic or benign to our knowledge; This variant is associated with the following publications: (PMID: 27535533)

NM_001244008.2(KIF1A):c.3212C>A (p.Pro1071Gln)

Gene: KIF1A (kinesin family member 1A; minus strand). Cytogenetic location: 2q37.3.
Variant type: single nucleotide variant.
Coding change: c.3212C>A on transcript NM_001244008.2 (MANE Select); coding-DNA position 3212, C replaced by A.
Protein change: p.Pro1071Gln; replaces proline 1071 with glutamine.
Molecular consequence: missense variant.
Genome position (GRCh38, 1-based): chr2:240,745,900, G>T on the plus strand (C>A on the coding strand, the complement: KIF1A is on the minus strand). VCF-style: chr2-240745900-G-T. GRCh37 (hg19) VCF-style: chr2-241685317-G-T.
Other names: c.2936C>A, p.Pro979Gln (NM_001320705.2, NM_001330289.2, NM_001379638.1); c.3011C>A, p.Pro1004Gln (NM_001330290.2, NM_001379634.1, NM_001379635.1 and 1 more transcripts); c.3287C>A, p.Pro1096Gln (NM_001379631.1); c.3161C>A, p.Pro1054Gln (NM_001379632.1); c.3185C>A, p.Pro1062Gln (NM_001379633.1, NM_001379642.1, NM_001379645.1); c.2909C>A, p.Pro970Gln (NM_001379636.1, NM_001379639.1, NM_001379641.1 and 5 more transcripts); c.2984C>A, p.Pro995Gln (NM_001379637.1, NM_001379648.1); c.2906C>A, p.Pro969Gln (NM_001379640.1); short protein forms P1004Q, P1054Q, P1062Q, P1071Q, P1096Q, P969Q, P970Q, P979Q.
Identifiers: ClinVar variation 1327167 (VCV001327167.3), dbSNP rs2125791983, ClinGen allele CA351318713.